The following is an entry in ClinVar:

ClinVar aggregate classification (germline): Uncertain significance (1 of 4 stars; one submission).

Submission:

Labcorp Genetics (formerly Invitae), Labcorp
Classification: Uncertain significance. Last evaluated: 2025-02-04. Review status: criteria provided, single submitter. Criteria: Invitae Variant Classification Sherloc (09022015). Collection method: clinical testing. Allele origin: germline.
Comment: This sequence change replaces arginine, which is basic and polar, with serine, which is neutral and polar, at codon 915 of the NYNRIN protein (p.Arg915Ser). This variant is not present in population databases (gnomAD no frequency). This variant has not been reported in the literature in individuals affected with NYNRIN-related conditions. Experimental studies and prediction algorithms are not available or were not evaluated, and the functional significance of this variant is currently unknown. In summary, the available evidence is currently insufficient to determine the role of this variant in disease. Therefore, it has been classified as a Variant of Uncertain Significance.

NM_025081.3(NYNRIN):c.2743C>A (p.Arg915Ser)

Gene: NYNRIN (NYN domain and retroviral integrase containing; plus strand). Cytogenetic location: 14q12.
Variant type: single nucleotide variant.
Coding change: c.2743C>A on transcript NM_025081.3 (MANE Select); coding-DNA position 2743, C replaced by A.
Protein change: p.Arg915Ser; replaces arginine 915 with serine.
Molecular consequence: missense variant.
Genome position (GRCh38, 1-based): chr14:24,413,097, C>A. VCF-style: chr14-24413097-C-A. GRCh37 (hg19) VCF-style: chr14-24882303-C-A.
Other names: short protein forms R915S.
Identifiers: ClinVar variation 4712299 (VCV004712299.1).
Genomic context (GRCh38, chr14:24,413,097, plus strand): 5'-GTCACCAATGAGCAGATTCACATCCTGATGAATAGTTCCAAGAAACTGATGGTCAAAGAT[C>A]GGTAAGATGGTCCCCAGAGGCTTGAGCCATTCCTTCCCCTTGGATGTCAGGCAGCCCCTG-3'
Protein context (NP_079357.2, residues 905-925): NSSKKLMVKD[Arg915Ser]LLPFTFAGNL